The following is an entry in ClinVar:

NM_022841.7(RFX7):c.511A>G (p.Lys171Glu)

Gene: RFX7 (regulatory factor X7; minus strand). Cytogenetic location: 15q21.3.
Variant type: single nucleotide variant.
Coding change: c.511A>G on transcript NM_022841.7 (MANE Select); coding-DNA position 511, A replaced by G.
Protein change: p.Lys171Glu; replaces lysine 171 with glutamic acid.
Molecular consequence: missense variant.
Genome position (GRCh38, 1-based): chr15:56,103,561, T>C on the plus strand (A>G on the coding strand, the complement: RFX7 is on the minus strand). VCF-style: chr15-56103561-T-C. GRCh37 (hg19) VCF-style: chr15-56395759-T-C.
Other names: c.220A>G, p.Lys74Glu (NM_001368073.2, NM_001368074.1, NM_001370554.1); c.511A>G, p.Lys171Glu (NM_001370561.1); short protein forms K171E, K74E.
Identifiers: ClinVar variation 3362219 (VCV003362219.1).

ClinVar aggregate classification (germline): Uncertain significance (1 of 4 stars; one submission).

gnomAD v4.1: 1 of 1,599,372 alleles (0.000063%); highest among the groups gnomAD compares: Non-Finnish European, 0.000085%; no homozygotes.

Submission:

GeneDx
Classification: Uncertain significance. Last evaluated: 2023-05-26. Review status: criteria provided, single submitter. Criteria: GeneDx Variant Classification Process June 2021. Collection method: clinical testing. Allele origin: germline. Affected: yes.
Comment: Not observed at significant frequency in large population cohorts (gnomAD); In silico analysis supports that this missense variant does not alter protein structure/function; In silico analysis suggests this variant may impact gene splicing. In the absence of RNA/functional studies, the actual effect of this sequence change is unknown.; Has not been previously published as pathogenic or benign to our knowledge